The following is an entry in ClinVar:

ClinVar aggregate classification (germline): Pathogenic/Likely pathogenic. Review status: criteria provided, multiple submitters, no conflicts (2 of 4 stars). 8 submissions from 8 submitters: Pathogenic (1); Likely pathogenic (5). 2 of the submissions do not count toward it. Last evaluated 2026-01-08.

Conditions:
Cardiofaciocutaneous syndrome 1 (CFC1). Also called: BRAF-Related Cardiofaciocutaneous Syndrome. Identifiers: Orphanet 1340, MedGen CN029449, MONDO:0007265, OMIM 115150. Disease mechanism: gain of function.
Lung cancer. Also called: Lung cancer, somatic; Malignant tumor of lung. Identifiers: MedGen C0242379, MONDO:0008903, OMIM 211980.
Colorectal cancer. Also called: Malignant Colorectal Neoplasm; Colorectal cancer, somatic. Identifiers: MedGen C0346629, MONDO:0005575, OMIM 114500.
Melanoma, cutaneous malignant, susceptibility to, 1 (CMM1). Also called: DYSPLASTIC NEVUS SYNDROME, HEREDITARY; FAMILIAL ATYPICAL MOLE-MALIGNANT MELANOMA SYNDROME; MELANOMA, MALIGNANT; B-K MOLE SYNDROME. Identifiers: Orphanet 618, MedGen C1835047, MONDO:0007963, OMIM 155600.
LEOPARD syndrome 3 (LPRD3). Identifiers: Orphanet 500, MedGen C3150971, MONDO:0013380, OMIM 613707.
Noonan syndrome 7 (NS7). Also called: BRAF-Related Noonan Syndrome. Identifiers: Orphanet 648, MedGen C3150970, MONDO:0013379, OMIM 613706.
BRAF-related disorder. Also called: BRAF-related condition.
Cardio-facio-cutaneous syndrome. Also called: Cardiofaciocutaneous syndrome; CFC syndrome. Identifiers: Orphanet 1340, MedGen C1275081, MONDO:0015280. Disease mechanism: gain of function.
Noonan syndrome (NS). Also called: Noonan's syndrome. Identifiers: Orphanet 648, MedGen C0028326, MeSH D009634, MONDO:0018997. Disease mechanism: gain of function.
RASopathy. Also called: rasopathies; Noonan spectrum disorder. Identifiers: Orphanet 536391, MedGen C5555857, MONDO:0021060.

Submissions (8):

3billion
Classification: Likely pathogenic for Noonan syndrome 7. Last evaluated: 2026-01-08. Review status: criteria provided, single submitter. Criteria: ACMG Guidelines, 2015. Collection method: clinical testing. Allele origin: germline. Affected: yes.
Comment: The variant is not observed in the gnomAD v4.1.0 dataset. Predicted Consequence/Location: Missense variant In silico tool predictions suggest damaging effect of the variant on gene or gene product [3Cnet: 0.99 (> 0.75, sensitivity 0.96 and precision 0.92)]. The same nucleotide change resulting in the same amino acid change has been previously reported as pathogenic/likely pathogenic with strong evidence (ClinVar ID: VCV000162795 /PMID: 33726816 /3billion dataset). A different missense change at the same codon (p.Ala712Thr) has been reported to be associated with BRAF-related disorder (ClinVar ID: VCV000802373). Therefore, this variant is classified as Likely pathogenic according to the recommendation of ACMG/AMP guideline.

GeneDx
Classification: Pathogenic. Last evaluated: 2024-03-11. Review status: criteria provided, single submitter. Criteria: GeneDx Variant Classification Process June 2021. Collection method: clinical testing. Allele origin: germline. Affected: yes.
Comment: Reported as de novo in an individual from a cohort of rare disease patients in published literature (PMID: 33726816); proband clinical information not provided; Not observed at significant frequency in large population cohorts (gnomAD); The majority of missense variants in this gene are considered pathogenic (HGMD); In silico analysis supports that this missense variant has a deleterious effect on protein structure/function; This variant is associated with the following publications: (PMID: 33726816)

Centre for Inherited Metabolic Diseases, Karolinska University Hospital
Classification: Likely pathogenic for Noonan syndrome 7. Last evaluated: 2021-04-13. Review status: criteria provided, single submitter. Criteria: ACMG Guidelines, 2015. Collection method: clinical testing. Allele origin: de novo. Inheritance: Autosomal dominant inheritance. Affected: yes. Observed: 1 heterozygote.

Blueprint Genetics
Classification: Likely pathogenic for BRAF-related disorders. Last evaluated: 2017-10-31. Review status: criteria provided, single submitter. Criteria: ACMG Guidelines, 2015. Collection method: clinical testing. Allele origin: germline. Affected: yes. Observed: 1 variant allele.

Laboratory for Molecular Medicine, Mass General Brigham Personalized Medicine
Classification: Likely pathogenic for Noonan syndrome; Cardio-facio-cutaneous syndrome. Last evaluated: 2015-03-16. Review status: criteria provided, single submitter. Criteria: LMM Criteria. Collection method: clinical testing. Allele origin: germline. Inheritance: Autosomal dominant inheritance. Observed: 3 variant alleles.
Comment: The p.Ala712Asp variant in BRAF has been identified by our laboratory in 2 indiv iduals with Noonan syndrome including one de novo occurrence. It was absent from large population studies. Computational prediction tools and conservation analy sis suggest that this variant may impact the protein, though this information is not predictive enough to determine pathogenicity. In summary, although addition al studies are required to fully establish its clinical significance, the p.Ala7 12Asp variant is likely pathogenic.

Center for Genomics, Ann and Robert H. Lurie Children's Hospital of Chicago
Classification: Likely pathogenic for Melanoma, cutaneous malignant, susceptibility to, 1; LEOPARD syndrome 3; Cardiofaciocutaneous syndrome 1; Lung cancer; Noonan syndrome 7; Colorectal cancer. Review status: criteria provided, single submitter. Criteria: ACMG Guidelines, 2015. Collection method: clinical testing. Allele origin: germline.
Comment: It is not present in large control databases. This variant is present in ClinVar, with multiple labs classifying this variant as likely pathogenic (Variation ID:162795). Evolutionary conservation and computational predictive tools for this variant are unclear. In summary, data on this variant is highly suspicious for disease, but requires further evidence for pathogenicity. Therefore, this variant is classified as likely pathogenic.

Service de Génétique Moléculaire, Hôpital Robert Debré
Classification: Likely pathogenic for Noonan syndrome. Review status: no assertion criteria provided. Collection method: clinical testing. Allele origin: de novo. Affected: yes. Observed: 1 variant allele. Not counted in ClinVar's aggregate classification.

Labcorp Genetics (formerly Invitae), Labcorp
Classification: Uncertain significance for RASopathy. Last evaluated: 2022-06-04. Review status: flagged submission. Criteria: Invitae Variant Classification Sherloc (09022015). Collection method: clinical testing. Allele origin: germline. Not counted in ClinVar's aggregate classification.
Comment: This sequence change replaces alanine, which is neutral and non-polar, with aspartic acid, which is acidic and polar, at codon 712 of the BRAF protein (p.Ala712Asp). This variant is not present in population databases (gnomAD no frequency). This variant has not been reported in the literature in individuals affected with BRAF-related conditions. ClinVar contains an entry for this variant (Variation ID: 162795). Advanced modeling of protein sequence and biophysical properties (such as structural, functional, and spatial information, amino acid conservation, physicochemical variation, residue mobility, and thermodynamic stability) performed at Invitae indicates that this missense variant is expected to disrupt BRAF protein function. In summary, the available evidence is currently insufficient to determine the role of this variant in disease. Therefore, it has been classified as a Variant of Uncertain Significance.
ClinVar note: Reason: Outlier claim with insufficient supporting evidence

Literature cited by the submitters: PubMed 29493581 (cited by 3billion); PubMed 33726816 (cited by 3billion).

NM_004333.6(BRAF):c.2135C>A (p.Ala712Asp)

Gene: BRAF (B-Raf proto-oncogene, serine/threonine kinase; minus strand). Cytogenetic location: 7q34.
Variant type: single nucleotide variant.
Coding change: c.2135C>A on transcript NM_004333.6 (MANE Select); coding-DNA position 2135, C replaced by A.
Protein change: p.Ala712Asp; replaces alanine 712 with aspartic acid.
Molecular consequence: missense variant. On other transcripts: intron variant (2).
Genome position (GRCh38, 1-based): chr7:140,734,763, G>T on the plus strand (C>A on the coding strand, the complement: BRAF is on the minus strand). VCF-style: chr7-140734763-G-T. GRCh37 (hg19) VCF-style: chr7-140434563-G-T.
Other names: c.2135C>A, p.Ala712Asp (NM_001354609.2); c.2255C>A, p.Ala752Asp (NM_001374244.1, NM_001374258.1); c.2144C>A, p.Ala715Asp (NM_001378467.1); c.2069C>A, p.Ala690Asp (NM_001378469.1); c.2033C>A, p.Ala678Asp (NM_001378470.1); c.2024C>A, p.Ala675Asp (NM_001378471.1); c.1979C>A, p.Ala660Asp (NM_001378472.1, NM_001378473.1); c.1871C>A, p.Ala624Asp (NM_001378475.1); and 1 more; short protein forms A712D, A690D, A660D, A624D, A675D, A715D, A678D, A752D.
Identifiers: ClinVar variation 162795 (VCV000162795.22), dbSNP rs727502904, ClinGen allele CA273127.